The following is an entry in ClinVar:

ClinVar aggregate classification (germline): Pathogenic (1 of 4 stars; one submission).

Allele frequency attached by ClinVar (database versions not stated): ExAC 0.00005; gnomAD 0.00007; TOPMed 0.00007.
gnomAD v4.1: 113 of 1,551,336 alleles (0.0073%); highest among the groups gnomAD compares: Non-Finnish European, 0.0094%; no homozygotes.

Submission:

Labcorp Genetics (formerly Invitae), Labcorp
Classification: Pathogenic. Last evaluated: 2022-07-05. Review status: criteria provided, single submitter. Criteria: Invitae Variant Classification Sherloc (09022015). Collection method: clinical testing. Allele origin: germline.
Comment: This sequence change creates a premature translational stop signal (p.Arg259*) in the TDRD9 gene. It is expected to result in an absent or disrupted protein product. Loss-of-function variants in TDRD9 are known to be pathogenic (PMID: 20059948, 28536242). This variant is present in population databases (rs776156806, gnomAD 0.01%). This variant has not been reported in the literature in individuals affected with TDRD9-related conditions. For these reasons, this variant has been classified as Pathogenic.

Literature cited by the submitters: PubMed 20059948; PubMed 28536242.

NM_153046.3(TDRD9):c.775C>T (p.Arg259Ter)

Gene: TDRD9 (tudor domain containing 9; plus strand). Cytogenetic location: 14q32.33.
Variant type: single nucleotide variant.
Coding change: c.775C>T on transcript NM_153046.3 (MANE Select); coding-DNA position 775, C replaced by T.
Protein change: p.Arg259Ter; replaces arginine 259 with a stop codon.
Molecular consequence: nonsense.
Genome position (GRCh38, 1-based): chr14:103,970,550, C>T. VCF-style: chr14-103970550-C-T. GRCh37 (hg19) VCF-style: chr14-104436887-C-T.
Other names: short protein forms R259*.
Identifiers: ClinVar variation 2054504 (VCV002054504.1), dbSNP rs776156806, ClinGen allele CA7368274.
Genomic context (GRCh38, chr14:103,970,550, plus strand): 5'-ATGTGTGTTGCCTGATGCCATGTGGGGGGTGCCCCCTTTTTTATTTTGTAGGTACACGAA[C>T]GAACAGAAGAAATGGATTTCCTGCTATTGGTAGTCCGCAAACTCTTAAGAACAAATTCAC-3'